The following is an entry in ClinVar:

ClinVar aggregate classification (germline): Uncertain significance (1 of 4 stars; one submission).

Conditions:
Cardiovascular phenotype. Identifiers: MedGen CN230736.
Hereditary cancer-predisposing syndrome. Also called: Tumor predisposition; Neoplastic Syndromes, Hereditary; Hereditary Cancer Syndrome; Hereditary neoplastic syndrome. Identifiers: Orphanet 140162, MedGen C0027672, MeSH D009386, MONDO:0015356.

Submission:

Ambry Genetics
Classification: Uncertain significance for Cardiovascular phenotype; Hereditary cancer-predisposing syndrome. Last evaluated: 2024-12-29. Review status: criteria provided, single submitter. Criteria: Ambry Variant Classification Scheme 2023. Collection method: clinical testing. Allele origin: germline.
Comment: The p.K473N variant (also known as c.1419G>T), located in coding exon 13 of the LZTR1 gene, results from a G to T substitution at nucleotide position 1419. The lysine at codon 473 is replaced by asparagine, an amino acid with similar properties. This amino acid position is conserved. In addition, this alteration is predicted to be tolerated by in silico analysis. Based on the available evidence, the clinical significance of this variant remains unclear.

NM_006767.4(LZTR1):c.1419G>T (p.Lys473Asn)

Gene: LZTR1 (leucine zipper like post translational regulator 1; plus strand). Cytogenetic location: 22q11.21.
Variant type: single nucleotide variant.
Coding change: c.1419G>T on transcript NM_006767.4 (MANE Select); coding-DNA position 1419, G replaced by T.
Protein change: p.Lys473Asn; replaces lysine 473 with asparagine.
Molecular consequence: missense variant.
Genome position (GRCh38, 1-based): chr22:20,993,989, G>T. VCF-style: chr22-20993989-G-T. GRCh37 (hg19) VCF-style: chr22-21348278-G-T.
Other names: short protein forms K473N.
Identifiers: ClinVar variation 3869284 (VCV003869284.1).